The following is an entry in ClinVar:

NM_001360.3(DHCR7):c.1137G>A (p.Glu379=)

Gene: DHCR7 (7-dehydrocholesterol reductase; minus strand). Cytogenetic location: 11q13.4.
Variant type: single nucleotide variant.
Coding change: c.1137G>A on transcript NM_001360.3 (MANE Select); coding-DNA position 1137, G replaced by A.
Protein change: p.Glu379=; no amino-acid change (glutamic acid 379 retained).
Molecular consequence: synonymous variant. On other transcripts: missense variant (2).
Genome position (GRCh38, 1-based): chr11:71,435,666, C>T on the plus strand (G>A on the coding strand, the complement: DHCR7 is on the minus strand). VCF-style: chr11-71435666-C-T. GRCh37 (hg19) VCF-style: chr11-71146712-C-T.
Other names: c.1137G>A, p.Glu379= (NM_001163817.2, NM_001425109.1, NM_001425110.1 and 1 more transcripts); c.1188G>A, p.Glu396= (NM_001425107.1); c.1173G>A, p.Glu391= (NM_001425108.1); c.1271G>A, p.Ser424Asn (NM_001425112.1); c.1077G>A, p.Glu359= (NM_001425113.1); c.1041G>A, p.Glu347= (NM_001425114.1); c.1175G>A, p.Ser392Asn (NM_001425116.1); c.963G>A, p.Glu321= (NM_001425117.1); and 1 more; short protein forms S392N, S424N.
Identifiers: ClinVar variation 2980046 (VCV002980046.5), dbSNP rs987527099, ClinGen allele CA224324370.

ClinVar aggregate classification (germline): Likely benign. Review status: criteria provided, single submitter (1 of 4 stars). 2 submissions from 2 submitters: Likely benign (1). 1 of the submissions does not count toward it. Last evaluated 2024-01-15.

Conditions:
Smith-Lemli-Opitz syndrome (SLOS). Also called: LETHAL ACRODYSGENITAL SYNDROME; POLYDACTYLY, SEX REVERSAL, RENAL HYPOPLASIA, AND UNILOBAR LUNG; RSH SYNDROME; RUTLEDGE LETHAL MULTIPLE CONGENITAL ANOMALY SYNDROME; 7-Dehydrocholesterol reductase deficiency. Identifiers: Orphanet 818, MedGen C0175694, MONDO:0010035, OMIM 270400.
DHCR7-related disorder. Also called: DHCR7-related condition.

Allele frequency attached by ClinVar (database versions not stated): gnomAD exomes below 0.00001; TOPMed below 0.00001.
gnomAD v4.1: 2 of 1,613,080 alleles (0.00012%); highest among the groups gnomAD compares: Non-Finnish European, 0.00017%; no homozygotes.

Submissions (2):

Labcorp Genetics (formerly Invitae), Labcorp
Classification: Likely benign for Smith-Lemli-Opitz syndrome. Last evaluated: 2024-01-15. Review status: criteria provided, single submitter. Criteria: Invitae Variant Classification Sherloc (09022015). Collection method: clinical testing. Allele origin: germline.

PreventionGenetics, part of Exact Sciences
Classification: Likely benign for DHCR7-related condition. Last evaluated: 2023-06-22. Review status: no assertion criteria provided. Collection method: clinical testing. Allele origin: germline. Not counted in ClinVar's aggregate classification.
Comment: This variant is classified as likely benign based on ACMG/AMP sequence variant interpretation guidelines (Richards et al. 2015 PMID: 25741868, with internal and published modifications).